The following is an entry in ClinVar:

ClinVar aggregate classification (germline): Pathogenic. Review status: criteria provided, multiple submitters, no conflicts (2 of 4 stars). 2 submissions from 2 submitters: Pathogenic (2). Last evaluated 2021-08-23.

Submissions (2):

Revvity Omics, Revvity
Classification: Pathogenic. Last evaluated: 2021-08-23. Review status: criteria provided, single submitter. Criteria: ACMG Guidelines, 2015. Collection method: clinical testing. Allele origin: germline.

ARUP Laboratories, Molecular Genetics and Genomics, ARUP Laboratories
Classification: Pathogenic. Last evaluated: 2018-07-06. Review status: criteria provided, single submitter. Criteria: ARUP Molecular Germline Variant Investigation Process. Collection method: clinical testing. Allele origin: germline.
Comment: The F9 c.1113C>A; p.Tyr371Ter variant, also known as Y325Ter, is reported in the literature in multiple individuals affected with hemophilia B (Giannelli 1994, Gostout 1993, Montejo 1999, Wulff 1999). This variant is not reported in ClinVar, and is also absent from general population databases (1000 Genomes Project, Exome Variant Server, and Genome Aggregation Database), indicating it is not a common polymorphism. Additionally, another nonsense variant at this codon (c.1113C>G, p.Tyr371Ter) has been reported in individuals with severe hemophilia B (Bottema 1991, Giannelli 1994, Yu 2012). This variant results in a premature termination codon in the last exon of the F9 gene. While this may not lead to nonsense-mediated decay, it is expected to create a truncated protein, and multiple downstream variants creating premature termination codons are also considered pathogenic (Giannelli 1994). Based on available information, this variant is considered to be pathogenic. References: Bottema CD et al. Missense mutations and evolutionary conservation of amino acids: evidence that many of the amino acids in factor IX function as spacer" elements. Am J Hum Genet. 1991 Oct;49(4):820-38. Giannelli F et al. Haemophilia B: database of point mutations and short additions and deletions

NM_000133.4(F9):c.1113C>A (p.Tyr371Ter)

Gene: F9 (coagulation factor IX; plus strand). Cytogenetic location: Xq27.1.
Variant type: single nucleotide variant.
Coding change: c.1113C>A on transcript NM_000133.4 (MANE Select); coding-DNA position 1113, C replaced by A.
Protein change: p.Tyr371Ter; replaces tyrosine 371 with a stop codon.
Molecular consequence: nonsense.
Genome position (GRCh38, 1-based): chrX:139,561,798, C>A. VCF-style: chrX-139561798-C-A. GRCh37 (hg19) VCF-style: chrX-138643957-C-A.
Other names: c.999C>A, p.Tyr333Ter (NM_001313913.2); short protein forms Y333*, Y371*.
Identifiers: ClinVar variation 811506 (VCV000811506.12), dbSNP rs1603267398, ClinGen allele CA414445973.